The following is an entry in ClinVar:

ClinVar aggregate classification (germline): Uncertain significance. Review status: criteria provided, multiple submitters, no conflicts (2 of 4 stars). 2 submissions from 2 submitters: Uncertain significance (2). Last evaluated 2025-01-09.

Allele frequency attached by ClinVar (database versions not stated): gnomAD exomes 0.00001 and below 0.00001; gnomAD 0.00001; TOPMed 0.00001; ExAC 0.00001.
gnomAD v4.1: 6 of 1,610,810 alleles (0.00037%); highest among the groups gnomAD compares: Non-Finnish European, 0.00025%; no homozygotes.

Submissions (2):

Dasa
Classification: Uncertain significance. Last evaluated: 2025-01-09. Review status: criteria provided, single submitter. Criteria: DASA Assertion Criteria. Collection method: clinical testing. Allele origin: germline.
Comment: NM_004046.6(ATP5F1A):c.473T>C (p.Ile158Thr) is a missense variant that results in the substitution of isoleucine with threonine. This variant is rare in population databases. Computational prediction algorithms are consistent with a deleterious effect. The currently available literature and clinical evidence are not sufficient to establish a definitive association between this variant and the reported condition. Therefore, this variant is classified as a variant of uncertain significance.

Labcorp Genetics (formerly Invitae), Labcorp
Classification: Uncertain significance. Last evaluated: 2024-02-23. Review status: criteria provided, single submitter. Criteria: Invitae Variant Classification Sherloc (09022015). Collection method: clinical testing. Allele origin: germline.
Comment: This sequence change replaces isoleucine, which is neutral and non-polar, with threonine, which is neutral and polar, at codon 158 of the ATP5A1 protein (p.Ile158Thr). This variant is present in population databases (rs753313821, gnomAD 0.005%). This variant has not been reported in the literature in individuals affected with ATP5A1-related conditions. ClinVar contains an entry for this variant (Variation ID: 1682746). Advanced modeling of protein sequence and biophysical properties (such as structural, functional, and spatial information, amino acid conservation, physicochemical variation, residue mobility, and thermodynamic stability) performed at Invitae indicates that this missense variant is expected to disrupt ATP5A1 protein function with a positive predictive value of 80%. In summary, the available evidence is currently insufficient to determine the role of this variant in disease. Therefore, it has been classified as a Variant of Uncertain Significance.

NM_004046.6(ATP5F1A):c.473T>C (p.Ile158Thr)

Gene: ATP5F1A (ATP synthase F1 subunit alpha; minus strand). Cytogenetic location: 18q21.1.
Variant type: single nucleotide variant.
Coding change: c.473T>C on transcript NM_004046.6 (MANE Select); coding-DNA position 473, T replaced by C.
Protein change: p.Ile158Thr; replaces isoleucine 158 with threonine.
Molecular consequence: missense variant. On other transcripts: intron variant (1).
Genome position (GRCh38, 1-based): chr18:46,089,833, A>G on the plus strand (T>C on the coding strand, the complement: ATP5F1A is on the minus strand). VCF-style: chr18-46089833-A-G. GRCh37 (hg19) VCF-style: chr18-43669799-A-G.
Other names: c.323T>C, p.Ile108Thr (NM_001001935.3, NM_001257335.2); c.473T>C, p.Ile158Thr (NM_001001937.2); c.417+56T>C (NM_001257334.2); short protein forms I108T, I158T.
Identifiers: ClinVar variation 1682746 (VCV001682746.10), dbSNP rs753313821, ClinGen allele CA8950803.